The following is an entry in ClinVar:

NM_006186.4(NR4A2):c.-2-2del

Gene: NR4A2 (nuclear receptor subfamily 4 group A member 2; minus strand). Cytogenetic location: 2q24.1.
Variant type: Deletion.
Coding change: c.-2-2del on transcript NM_006186.4 (MANE Select); the canonical splice acceptor site of the intron before 2 bases upstream of the start codon, one base deleted (A; older notation c.-2-2delA).
Molecular consequence: splice acceptor variant. On other transcripts: intron variant (1).
Genome position (GRCh38, 1-based): chr2:156,330,190, T deleted on the plus strand (A on the coding strand, the reverse complement: NR4A2 is on the minus strand). VCF-style (leftmost placement, unchanged base first): chr2-156330189-CT-C. GRCh37 (hg19) VCF-style: chr2-157186701-CT-C.
Other names: HZF-3; NOT; NURR1; RNR1; TINUR; c.-13-180del (NM_173173.3).
Identifiers: ClinVar variation 3338047 (VCV003338047.2).

ClinVar aggregate classification (germline): Pathogenic (1 of 4 stars; one submission).

Conditions:
Intellectual developmental disorder with language impairment and early-onset DOPA-responsive dystonia-parkinsonism (IDLDP). Identifiers: Orphanet 660017, MedGen C5677001, MONDO:0859257, OMIM 619911.

Submission:

Center Lab, King Abdulaziz University
Classification: Pathogenic for Intellectual developmental disorder with language impairment and early-onset DOPA-responsive dystonia-parkinsonism. Last evaluated: 2024-08-21. Review status: criteria provided, single submitter. Criteria: ACMG Guidelines, 2015. Collection method: clinical testing. Allele origin: de novo. Inheritance: Autosomal dominant inheritance. Affected: yes. Observed: 2 variant alleles, 2 heterozygotes. Clinical features observed: Global developmental delay (HP:0001263), Absent speech (HP:0001344), Anxiety (HP:0000739), Sleep disturbance (HP:0002360), Feeding difficulties (HP:0011968).
Comment: Null variant (intronic within ±2 of splice site) in gene NR4A2. Loss-of-function is a known mechanism of disease (gene has 16 reported pathogenic LOF variants). Variant got 12 ACMG points: 12P and 0B. PVS1, PM2, PP3_Moderate.

Literature cited by the submitters: PubMed 38440907.